The following is an entry in ClinVar:

ClinVar aggregate classification (germline): Conflicting classifications of pathogenicity. Review status: criteria provided, conflicting classifications (1 of 4 stars). 3 submissions from 3 submitters: Uncertain significance (2); Likely benign (1). Last evaluated 2022-11-01.

Allele frequency attached by ClinVar (database versions not stated): ExAC 0.00012; gnomAD 0.00001; TOPMed 0.00002; gnomAD exomes 0.00006.
gnomAD v4.1: 72 of 1,549,058 alleles (0.0046%); highest among the groups gnomAD compares: Non-Finnish European, 0.0056%; no homozygotes.

Submissions (3):

CeGaT Center for Human Genetics Tuebingen
Classification: Uncertain significance. Last evaluated: 2022-11-01. Review status: criteria provided, single submitter. Criteria: CeGaT Center For Human Genetics Tuebingen Variant Classification Criteria Version 2. Collection method: clinical testing. Allele origin: germline. Affected: yes. Observed: 1 variant allele.

Blueprint Genetics
Classification: Likely benign. Last evaluated: 2020-06-08. Review status: criteria provided, single submitter. Criteria: ACMG Guidelines, 2015. Collection method: clinical testing. Allele origin: germline.

GeneDx
Classification: Uncertain significance. Last evaluated: 2017-01-25. Review status: criteria provided, single submitter. Criteria: GeneDx Variant Classification (06012015). Collection method: clinical testing. Allele origin: germline. Affected: yes.
Comment: The R142W variant in the TMEM240 gene has not been reported previously as a pathogenic variant, nor as a benign variant, to our knowledge. The R142W variant was not observed in approximately 2,300 individuals of European and African American ancestry in the NHLBI Exome Sequencing Project, indicating it is not a common benign variant in these populations. The R142W variant is a non-conservative amino acid substitution, which is likely to impact secondary protein structure as these residues differ in polarity, charge, size and/or other properties. This substitution occurs at a position where amino acids with similar properties to Arginine are tolerated across species. In silico analysis predicts this variant is probably damaging to the protein structure/function. We interpret R142W as a variant of uncertain significance.

NM_001114748.2(TMEM240):c.424C>T (p.Arg142Trp)

Gene: TMEM240 (transmembrane protein 240; minus strand). Cytogenetic location: 1p36.33.
Variant type: single nucleotide variant.
Coding change: c.424C>T on transcript NM_001114748.2 (MANE Select); coding-DNA position 424, C replaced by T.
Protein change: p.Arg142Trp; replaces arginine 142 with tryptophan.
Molecular consequence: missense variant.
Genome position (GRCh38, 1-based): chr1:1,535,457, G>A on the plus strand (C>T on the coding strand, the complement: TMEM240 is on the minus strand). VCF-style: chr1-1535457-G-A. GRCh37 (hg19) VCF-style: chr1-1470837-G-A.
Other names: short protein forms R142W.
Identifiers: ClinVar variation 393221 (VCV000393221.32), dbSNP rs763113928, ClinGen allele CA526640.